The following is an entry in ClinVar:

ClinVar aggregate classification (germline): Pathogenic/Likely pathogenic. Review status: criteria provided, multiple submitters, no conflicts (2 of 4 stars). 6 submissions from 6 submitters: Pathogenic (4); Likely pathogenic (2). Last evaluated 2023-03-01.

Conditions:
X-linked Alport syndrome (ATS1). Also called: COL4A5-Related Nephropathy; NEPHROPATHY AND DEAFNESS, X-LINKED. Identifiers: Orphanet 63, Orphanet 88917, MedGen C4746986, MONDO:0010520, OMIM 301050.
COL4A5-related disorders.

Submissions (6):

Labcorp Genetics (formerly Invitae), Labcorp
Classification: Pathogenic. Last evaluated: 2023-03-01. Review status: criteria provided, single submitter. Criteria: Invitae Variant Classification Sherloc (09022015). Collection method: clinical testing. Allele origin: germline.
Comment: For these reasons, this variant has been classified as Pathogenic. ClinVar contains an entry for this variant (Variation ID: 637042). This premature translational stop signal has been observed in individual(s) with COL4A5-related conditions (PMID: 34008892). This variant is not present in population databases (gnomAD no frequency). This sequence change creates a premature translational stop signal (p.Gly1454Glufs*94) in the COL4A5 gene. It is expected to result in an absent or disrupted protein product. Loss-of-function variants in COL4A5 are known to be pathogenic (PMID: 9195222, 10752524, 14514738, 24854265, 26809805).

King Laboratory, University of Washington
Classification: Pathogenic for X-linked Alport syndrome. Last evaluated: 2023-02-28. Review status: criteria provided, single submitter. Criteria: Li et al. (Genet Med. 2022). Collection method: research. Allele origin: maternal. Affected: yes.
Comment: This variant is a single base pair deletion that causes a frameshift leading to the addition of 93 incorrect amino acids and an early stop at position 1547 of the 1691 amino acid COL4A5 protein. As of January 2023, this variant has been reported to ClinVar as pathogenic and is not found on gnomAD. Based on the prediction that this variant leads to a truncated protein, x-linked recessive inheritance pattern in the family, and goodness of fit of genotype to phenotype, we conclude that this variant is pathogenic.

Clinical Genetics Laboratory, Skane University Hospital Lund
Classification: Likely pathogenic. Last evaluated: 2022-07-13. Review status: criteria provided, single submitter. Criteria: ACMG Guidelines, 2015. Collection method: clinical testing. Allele origin: germline. Affected: yes.

Blueprint Genetics
Classification: Likely pathogenic for COL4A5-related disorders. Last evaluated: 2019-08-21. Review status: criteria provided, single submitter. Criteria: ACMG Guidelines, 2015. Collection method: clinical testing. Allele origin: germline. Affected: yes. Observed: 1 variant allele.

Laboratory of Medical Genetics, National & Kapodistrian University of Athens
Classification: Pathogenic for X-linked Alport syndrome. Last evaluated: 2018-05-24. Review status: criteria provided, single submitter. Criteria: ACMG Guidelines, 2015. Collection method: clinical testing. Allele origin: de novo. Affected: yes.
Comment: PVS1,PM1,PM2,PP2

Kasturba Medical College, Manipal, Kasturba Medical College, Manipal, Manipal Academy of Higher Education, Manipal, India
Classification: Pathogenic for X-linked Alport syndrome. Review status: criteria provided, single submitter. Criteria: ACMG Guidelines, 2015. Collection method: clinical testing. Allele origin: unknown. Inheritance: X-linked dominant inheritance. Affected: yes.

Literature cited by the submitters: PubMed 34008892 (cited by Labcorp Genetics (formerly Invitae), Labcorp); PubMed 9195222 (cited by Labcorp Genetics (formerly Invitae), Labcorp); PubMed 10752524 (cited by Labcorp Genetics (formerly Invitae), Labcorp); PubMed 14514738 (cited by Labcorp Genetics (formerly Invitae), Labcorp); PubMed 24854265 (cited by Labcorp Genetics (formerly Invitae), Labcorp); PubMed 26809805 (cited by Labcorp Genetics (formerly Invitae), Labcorp); PubMed 36633841 (cited by King Laboratory, University of Washington); PMC 3872455 (cited by Kasturba Medical College, Manipal, Kasturba Medical College, Manipal, Manipal Academy of Higher Education, Manipal, India).

NM_033380.3(COL4A5):c.4377del (p.Gly1460fs)

Gene: COL4A5 (collagen type IV alpha 5 chain; plus strand). Cytogenetic location: Xq22.3.
Variant type: Deletion.
Coding change: c.4377del on transcript NM_033380.3 (MANE Select); coding-DNA position 4377, one base deleted (T; older notation c.4377delT).
Protein change: p.Gly1460fs; shifts the reading frame from glycine 1460.
Molecular consequence: frameshift variant.
Genome position (GRCh38, 1-based): chrX:108,687,543, T deleted. VCF-style (leftmost placement, unchanged base first): chrX-108687542-CT-C. GRCh37 (hg19) VCF-style: chrX-107930772-CT-C.
Other names: c.4377delT (NM_033380.3); c.4359del, p.Gly1454fs (NM_000495.5); c.4359del (NM_000495.4); short protein forms G1460fs, G1454fs.
Identifiers: ClinVar variation 637042 (VCV000637042.9), dbSNP rs1603323174, ClinGen allele CA915951311.